The following is an entry in ClinVar:

ClinVar aggregate classification (germline): Uncertain significance (1 of 4 stars; one submission).

Allele frequency attached by ClinVar (database versions not stated): gnomAD 0.00001; TOPMed 0.00002.
gnomAD v4.1: 2 of 1,613,938 alleles (0.00012%); highest among the groups gnomAD compares: African/African-American, 0.0027%; no homozygotes.

Submission:

GeneDx
Classification: Uncertain significance. Last evaluated: 2022-09-15. Review status: criteria provided, single submitter. Criteria: GeneDx Variant Classification Process June 2021. Collection method: clinical testing. Allele origin: germline. Affected: yes.
Comment: Not observed at significant frequency in large population cohorts (gnomAD); In silico analysis supports that this missense variant has a deleterious effect on protein structure/function; Has not been previously published as pathogenic or benign to our knowledge

NM_004453.4(ETFDH):c.32T>C (p.Leu11Pro)

Gene: ETFDH (electron transfer flavoprotein dehydrogenase; plus strand). Cytogenetic location: 4q32.1.
Variant type: single nucleotide variant.
Coding change: c.32T>C on transcript NM_004453.4 (MANE Select); coding-DNA position 32, T replaced by C.
Protein change: p.Leu11Pro; replaces leucine 11 with proline.
Molecular consequence: missense variant.
Genome position (GRCh38, 1-based): chr4:158,672,488, T>C. VCF-style: chr4-158672488-T-C. GRCh37 (hg19) VCF-style: chr4-159593640-T-C.
Other names: c.32T>C, p.Leu11Pro (NM_001281737.2); short protein forms L11P.
Identifiers: ClinVar variation 2444725 (VCV002444725.1), dbSNP rs951587618, ClinGen allele CA108842334.
Genomic context (GRCh38, chr4:158,672,488, plus strand): 5'-TCCGACCGAGAGTCCTGGTGACTTTGAACATGCTGGTGCCGCTAGCCAAGCTGTCCTGCC[T>C]GGGTGAGAGGAAACGGGCGGTGGGGATAAGTGGAGGAGTTAGGGCAAAAGGGACAAGGCC-3'
Protein context (NP_004444.2, residues 1-21): MLVPLAKLSC[Leu11Pro]AYQCFHALKI